The following is an entry in ClinVar:

NM_001389.5(DSCAM):c.1171A>G (p.Lys391Glu)

Gene: DSCAM (DS cell adhesion molecule; minus strand). Cytogenetic location: 21q22.2.
Variant type: single nucleotide variant.
Coding change: c.1171A>G on transcript NM_001389.5 (MANE Select); coding-DNA position 1171, A replaced by G.
Protein change: p.Lys391Glu; replaces lysine 391 with glutamic acid.
Molecular consequence: missense variant. On other transcripts: non-coding transcript variant (1).
Genome position (GRCh38, 1-based): chr21:40,347,709, T>C on the plus strand (A>G on the coding strand, the complement: DSCAM is on the minus strand). VCF-style: chr21-40347709-T-C. GRCh37 (hg19) VCF-style: chr21-41719636-T-C.
Other names: c.1171A>G, p.Lys391Glu (NM_001271534.3, NM_206887.1); short protein forms K391E.
Identifiers: ClinVar variation 2263878 (VCV002263878.2), dbSNP rs2516857811, ClinGen allele CA410597853.
Genomic context (GRCh38, chr21:40,347,709, plus strand): 5'-CCTGAAACGAGGCCCACTGACCTTCAAGGACCACCTGCACATAGTCTTGAGCGGACAGCT[T>C]GTCCTTGCGCACAAAGCACTGGTATGCGCCCCCGTCACTTTTGACCATGTGATCCATTAT-3'
Protein context (NP_001380.2, residues 381-401): GAYQCFVRKD[Lys391Glu]LSAQDYVQVV

ClinVar aggregate classification (germline): Uncertain significance (1 of 4 stars; one submission).

Conditions:
Inborn genetic diseases. Identifiers: MedGen C0950123, MeSH D030342.

Allele frequency attached by ClinVar (database versions not stated): gnomAD exomes below 0.00001.
gnomAD v4.1: 2 of 1,614,156 alleles (0.00012%); highest among the groups gnomAD compares: Non-Finnish European, 0.00017%; no homozygotes.

Submission:

Ambry Genetics
Classification: Uncertain significance for Inborn genetic diseases. Last evaluated: 2021-12-17. Review status: criteria provided, single submitter. Criteria: Ambry Variant Classification Scheme 2023. Collection method: clinical testing. Allele origin: germline.
Comment: The c.1171A>G (p.K391E) alteration is located in exon 6 (coding exon 6) of the DSCAM gene. This alteration results from an A to G substitution at nucleotide position 1171, causing the lysine (K) at amino acid position 391 to be replaced by a glutamic acid (E). This variant was not reported in population-based cohorts in the Genome Aggregation Database (gnomAD). This amino acid position is not well conserved in available vertebrate species. This alteration is predicted to be tolerated by in silico analysis. Based on insufficient or conflicting evidence, the clinical significance of this alteration remains unclear.